The following is an entry in ClinVar:

NM_005996.4(TBX3):c.96_97delinsCT (p.Val33Leu)

Genes: TBX3 (T-box transcription factor 3; minus strand), TBX3-AS1 (TBX3 antisense RNA 1; plus strand). Cytogenetic location: 12q24.21.
Variant type: Indel.
Coding change: c.96_97delinsCT on transcript NM_005996.4 (MANE Select); coding-DNA positions 96 to 97, GG replaced by CT.
Protein change: p.Val33Leu; replaces valine 33 with leucine.
Molecular consequence: missense variant.
Genome position (GRCh38, 1-based): chr12:114,683,104-114,683,105, CC replaced by AG on the plus strand (GG replaced by CT on the coding strand, the reverse complement: TBX3 is on the minus strand). VCF-style: chr12-114683104-CC-AG. GRCh37 (hg19) VCF-style: chr12-115120909-CC-AG.
Other names: c.96_97delinsCT, p.Val33Leu (NM_016569.4); short protein forms V33L.
Identifiers: ClinVar variation 2803636 (VCV002803636.3), dbSNP rs2499799706, ClinGen allele CA2739277321.

ClinVar aggregate classification (germline): Uncertain significance (1 of 4 stars; one submission).

Conditions:
Ulnar-mammary syndrome (UMS). Also called: Ulnar-mammary syndrome of Pallister; SCHINZEL SYNDROME; PALLISTER ULNAR-MAMMARY SYNDROME. Identifiers: Orphanet 3138, MedGen C1866994, MONDO:0008411, OMIM 181450.

Submission:

Labcorp Genetics (formerly Invitae), Labcorp
Classification: Uncertain significance for Ulnar-mammary syndrome. Last evaluated: 2025-12-09. Review status: criteria provided, single submitter. Criteria: Invitae Variant Classification Sherloc (09022015). Collection method: clinical testing. Allele origin: germline.
Comment: This sequence change replaces valine, which is neutral and non-polar, with leucine, which is neutral and non-polar, at codon 33 of the TBX3 protein (p.Val33Leu). Information on the frequency of this variant in the gnomAD database is not available, as this variant may be reported differently in the database. This variant has not been reported in the literature in individuals affected with TBX3-related conditions. ClinVar contains an entry for this variant (Variation ID: 2803636). Experimental studies and prediction algorithms are not available or were not evaluated, and the functional significance of this variant is currently unknown. In summary, the available evidence is currently insufficient to determine the role of this variant in disease. Therefore, it has been classified as a Variant of Uncertain Significance.